The following is an entry in ClinVar:

ClinVar aggregate classification (germline): Uncertain significance (1 of 4 stars; one submission).

Conditions:
Adams-Oliver syndrome 5 (AOS5). Identifiers: Orphanet 974, MedGen C4014970, MONDO:0014459, OMIM 616028.

gnomAD v4.1: 1 of 1,611,814 alleles (0.000062%); highest among the groups gnomAD compares: Non-Finnish European, 0.000085%; no homozygotes.

Submission:

Labcorp Genetics (formerly Invitae), Labcorp
Classification: Uncertain significance for Adams-Oliver syndrome 5. Last evaluated: 2024-07-22. Review status: criteria provided, single submitter. Criteria: Invitae Variant Classification Sherloc (09022015). Collection method: clinical testing. Allele origin: germline.
Comment: This sequence change replaces histidine, which is basic and polar, with arginine, which is basic and polar, at codon 2107 of the NOTCH1 protein (p.His2107Arg). This variant is present in population databases (no rsID available, gnomAD 0.0009%). This variant has not been reported in the literature in individuals affected with NOTCH1-related conditions. Advanced modeling of protein sequence and biophysical properties (such as structural, functional, and spatial information, amino acid conservation, physicochemical variation, residue mobility, and thermodynamic stability) performed at Invitae indicates that this missense variant is not expected to disrupt NOTCH1 protein function with a negative predictive value of 80%. In summary, the available evidence is currently insufficient to determine the role of this variant in disease. Therefore, it has been classified as a Variant of Uncertain Significance.

NM_017617.5(NOTCH1):c.6320A>G (p.His2107Arg)

Gene: NOTCH1 (notch receptor 1; minus strand). Cytogenetic location: 9q34.3.
Variant type: single nucleotide variant.
Coding change: c.6320A>G on transcript NM_017617.5 (MANE Select); coding-DNA position 6320, A replaced by G.
Protein change: p.His2107Arg; replaces histidine 2107 with arginine.
Molecular consequence: missense variant.
Genome position (GRCh38, 1-based): chr9:136,497,419, T>C on the plus strand (A>G on the coding strand, the complement: NOTCH1 is on the minus strand). VCF-style: chr9-136497419-T-C. GRCh37 (hg19) VCF-style: chr9-139391871-T-C.
Other names: short protein forms H2107R.
Identifiers: ClinVar variation 3706427 (VCV003706427.2).
Genomic context (GRCh38, chr9:136,497,419, plus strand): 5'-GCTCCGTGCAGCTGCGGGCTGCGCACCAGGTTGTACTCGTCCAGCAGCCTCACGATGTCG[T>C]GATGCATGCGCTCCTGTGCGATGTCGCGCGGCAGGCGGTCCATATGATCCGTGATGTCCC-3'
Protein context (NP_060087.3, residues 2097-2117): PRDIAQERMH[His2107Arg]DIVRLLDEYN